The following is an entry in ClinVar:

ClinVar aggregate classification (germline): Uncertain significance (1 of 4 stars; one submission).

Allele frequency attached by ClinVar (database versions not stated): gnomAD exomes below 0.00001.
gnomAD v4.1: 1 of 1,614,162 alleles (0.000062%); highest among the groups gnomAD compares: South Asian, 0.0011%; no homozygotes.

Submission:

Labcorp Genetics (formerly Invitae), Labcorp
Classification: Uncertain significance. Last evaluated: 2021-10-29. Review status: criteria provided, single submitter. Criteria: Invitae Variant Classification Sherloc (09022015). Collection method: clinical testing. Allele origin: germline.
Comment: This variant is not present in population databases (gnomAD no frequency). This sequence change replaces serine, which is neutral and polar, with asparagine, which is neutral and polar, at codon 687 of the SETBP1 protein (p.Ser687Asn). This variant has not been reported in the literature in individuals affected with SETBP1-related conditions. Algorithms developed to predict the effect of missense changes on protein structure and function output the following: SIFT: "Tolerated"; PolyPhen-2: "Benign"; Align-GVGD: "Class C0". The asparagine amino acid residue is found in multiple mammalian species, which suggests that this missense change does not adversely affect protein function. In summary, the available evidence is currently insufficient to determine the role of this variant in disease. Therefore, it has been classified as a Variant of Uncertain Significance.

NM_015559.3(SETBP1):c.2060G>A (p.Ser687Asn)

Gene: SETBP1 (SET binding protein 1; plus strand). Cytogenetic location: 18q12.3.
Variant type: single nucleotide variant.
Coding change: c.2060G>A on transcript NM_015559.3 (MANE Select); coding-DNA position 2060, G replaced by A.
Protein change: p.Ser687Asn; replaces serine 687 with asparagine.
Molecular consequence: missense variant.
Genome position (GRCh38, 1-based): chr18:44,951,400, G>A. VCF-style: chr18-44951400-G-A. GRCh37 (hg19) VCF-style: chr18-42531365-G-A.
Other names: c.2060G>A, p.Ser687Asn (NM_001379141.1, NM_001379142.1); short protein forms S687N.
Identifiers: ClinVar variation 1481972 (VCV001481972.6), dbSNP rs2145102547, ClinGen allele CA402320303.